The following is an entry in ClinVar:

NM_001197104.2(KMT2A):c.4586A>C (p.Lys1529Thr)

Gene: KMT2A (lysine methyltransferase 2A; plus strand). Cytogenetic location: 11q23.3.
Variant type: single nucleotide variant.
Coding change: c.4586A>C on transcript NM_001197104.2 (MANE Select); coding-DNA position 4586, A replaced by C.
Protein change: p.Lys1529Thr; replaces lysine 1529 with threonine.
Molecular consequence: missense variant.
Genome position (GRCh38, 1-based): chr11:118,490,139, A>C. VCF-style: chr11-118490139-A-C. GRCh37 (hg19) VCF-style: chr11-118360854-A-C.
Other names: c.4685A>C, p.Lys1562Thr (NM_001412597.1); c.4586A>C, p.Lys1529Thr (NM_005933.4); short protein forms K1529T, K1562T.
Identifiers: ClinVar variation 2800820 (VCV002800820.3), dbSNP rs2496912736, ClinGen allele CA382833858.

ClinVar aggregate classification (germline): Uncertain significance (1 of 4 stars; one submission).

Submission:

Labcorp Genetics (formerly Invitae), Labcorp
Classification: Uncertain significance. Last evaluated: 2024-10-28. Review status: criteria provided, single submitter. Criteria: Invitae Variant Classification Sherloc (09022015). Collection method: clinical testing. Allele origin: germline.
Comment: This sequence change replaces lysine, which is basic and polar, with threonine, which is neutral and polar, at codon 1529 of the KMT2A protein (p.Lys1529Thr). This variant is not present in population databases (gnomAD no frequency). This variant has not been reported in the literature in individuals affected with KMT2A-related conditions. Invitae Evidence Modeling of protein sequence and biophysical properties (such as structural, functional, and spatial information, amino acid conservation, physicochemical variation, residue mobility, and thermodynamic stability) has been performed for this missense variant. However, the output from this modeling did not meet the statistical confidence thresholds required to predict the impact of this variant on KMT2A protein function. In summary, the available evidence is currently insufficient to determine the role of this variant in disease. Therefore, it has been classified as a Variant of Uncertain Significance.